The following is an entry in ClinVar:

NM_000350.3(ABCA4):c.5824G>C (p.Glu1942Gln)

Gene: ABCA4 (ATP binding cassette subfamily A member 4; minus strand). Cytogenetic location: 1p22.1.
Variant type: single nucleotide variant.
Coding change: c.5824G>C on transcript NM_000350.3 (MANE Select); coding-DNA position 5824, G replaced by C.
Protein change: p.Glu1942Gln; replaces glutamic acid 1942 with glutamine.
Molecular consequence: missense variant.
Genome position (GRCh38, 1-based): chr1:94,008,762, C>G on the plus strand (G>C on the coding strand, the complement: ABCA4 is on the minus strand). VCF-style: chr1-94008762-C-G. GRCh37 (hg19) VCF-style: chr1-94474318-C-G.
Other names: NM_000350.3(ABCA4):c.5824G>C; p.Glu1942Gln; c.5602G>C, p.Glu1868Gln (NM_001425324.1); short protein forms E1942Q, E1868Q.
Identifiers: ClinVar variation 867010 (VCV000867010.12), dbSNP rs760353830, ClinGen allele CA957117.

ClinVar aggregate classification (germline): Uncertain significance. Review status: reviewed by expert panel (3 of 4 stars). 4 submissions from 4 submitters: Uncertain significance (1). 3 of the submissions do not count toward it. Last evaluated 2026-05-05.

Conditions:
Severe early-childhood-onset retinal dystrophy (STGD1). Also called: Stargardt macular dystrophy; Juvenile onset macular degeneration; Stargardt disease 1; MACULAR DYSTROPHY WITH FLECKS, TYPE 1; STGD. Identifiers: Orphanet 364055, Orphanet 827, MedGen C1855465, MeSH D000080362, MONDO:0009549, OMIM 248200.
ABCA4-related retinopathy. Also called: ABCA4 retinoapthy; ABCA4-related retinoapthy. Identifiers: MedGen CN322612, MONDO:0800406.

Allele frequency attached by ClinVar (database versions not stated): gnomAD exomes 0.00001 and 0.00003; TOPMed 0.00001; ExAC 0.00002.

Submissions (4):

ClinGen ABCA4 Variant Curation Expert Panel, Clingen
Classification: Uncertain significance for ABCA4-related retinopathy. Last evaluated: 2026-05-05. Review status: reviewed by expert panel. Criteria: ClinGen ABCA4 ACMG Specifications V1.0.0. Collection method: curation. Allele origin: germline. Inheritance: Autosomal recessive inheritance.
Comment: The NM_000350.3(ABCA4):c.5824G>C variant in ABCA4 is a missense variant predicted to cause substitution of glutamic acid by glutamine at amino acid 1942 (p.Glu1942Gln). The total minor allele frequency in gnomAD v4.1.0 is 0.000005473 (8/1461796 alleles), which is lower than the ClinGen ABCA4 VCEP’s threshold for PM2_Supporting (<0.0001). This variant has been reported in at least 1 individual with ABCA4-related retinopathy who was compound heterozygous for a pathogenic variant (c.6384A>G; p.His2128Arg); however, this individual has a pathogenic variant in cis (c.2453G>A; p.G818E) with the c.5824G>C variant, so PM3 nor PP4 can be applied (PMID: 23419329). In summary, this variant meets the criteria to be classified as a VUS for ABCA4-related retinopathy based on the ACMG/AMP criteria applied, as specified by the ClinGen ABCA4 VCEP specification Version 1.0: PM2_Supporting.

Labcorp Genetics (formerly Invitae), Labcorp
Classification: Uncertain significance. Last evaluated: 2025-08-10. Review status: criteria provided, single submitter. Criteria: Invitae Variant Classification Sherloc (09022015). Collection method: clinical testing. Allele origin: germline. Not counted in ClinVar's aggregate classification.
Comment: This sequence change replaces glutamic acid, which is acidic and polar, with glutamine, which is neutral and polar, at codon 1942 of the ABCA4 protein (p.Glu1942Gln). This variant is present in population databases (rs760353830, gnomAD 0.02%). This missense change has been observed in individual(s) with Stargardt disease (PMID: 23419329). ClinVar contains an entry for this variant (Variation ID: 867010). Invitae Evidence Modeling of protein sequence and biophysical properties (such as structural, functional, and spatial information, amino acid conservation, physicochemical variation, residue mobility, and thermodynamic stability) has been performed for this missense variant. However, the output from this modeling did not meet the statistical confidence thresholds required to predict the impact of this variant on ABCA4 protein function. In summary, the available evidence is currently insufficient to determine the role of this variant in disease. Therefore, it has been classified as a Variant of Uncertain Significance.

Blueprint Genetics
Classification: Uncertain significance. Last evaluated: 2022-05-06. Review status: criteria provided, single submitter. Criteria: ACMG Guidelines, 2015. Collection method: clinical testing. Allele origin: germline. Not counted in ClinVar's aggregate classification.

Ophthalmo-Genetics Lab, Instituto de Oftalmologia Conde de Valenciana
Classification: Uncertain significance for Severe early-childhood-onset retinal dystrophy. Review status: no assertion criteria provided. Collection method: research. Allele origin: germline. Inheritance: Autosomal recessive inheritance. Affected: yes. Not counted in ClinVar's aggregate classification.

Literature cited by the submitters: PubMed 23419329 (cited by Labcorp Genetics (formerly Invitae), Labcorp); PubMed 12192456 (cited by Ophthalmo-Genetics Lab, Instituto de Oftalmologia Conde de Valenciana).